The following is an entry in ClinVar:

ClinVar aggregate classification (germline): Uncertain significance. Review status: criteria provided, multiple submitters, no conflicts (2 of 4 stars). 2 submissions from 2 submitters: Uncertain significance (2). Last evaluated 2024-10-25.

Conditions:
Sandhoff disease. Also called: GM2-GANGLIOSIDOSIS, TYPE II; HEXOSAMINIDASES A AND B DEFICIENCY; Beta-hexosaminidase-beta-subunit deficiency; GM2 gangliosidosis, type 2; Total hexosaminidase deficiency; Sandhoff-Jatzkewitz-Pilz disease. Identifiers: Orphanet 796, MedGen C0036161, MONDO:0010006, OMIM 268800.
Inborn genetic diseases. Identifiers: MedGen C0950123, MeSH D030342.

Allele frequency attached by ClinVar (database versions not stated): gnomAD exomes below 0.00001; ExAC 0.00001; gnomAD 0.00001; TOPMed 0.00007.
gnomAD v4.1: 12 of 1,533,526 alleles (0.00078%); highest among the groups gnomAD compares: Admixed American, 0.0083%; no homozygotes.

Submissions (2):

Labcorp Genetics (formerly Invitae), Labcorp
Classification: Uncertain significance for Sandhoff disease. Last evaluated: 2024-10-25. Review status: criteria provided, single submitter. Criteria: Invitae Variant Classification Sherloc (09022015). Collection method: clinical testing. Allele origin: germline.
Comment: This sequence change replaces isoleucine, which is neutral and non-polar, with valine, which is neutral and non-polar, at codon 189 of the HEXB protein (p.Ile189Val). This variant is present in population databases (rs762123301, gnomAD 0.009%). This variant has not been reported in the literature in individuals affected with HEXB-related conditions. ClinVar contains an entry for this variant (Variation ID: 2160040). Invitae Evidence Modeling of protein sequence and biophysical properties (such as structural, functional, and spatial information, amino acid conservation, physicochemical variation, residue mobility, and thermodynamic stability) indicates that this missense variant is not expected to disrupt HEXB protein function with a negative predictive value of 95%. In summary, the available evidence is currently insufficient to determine the role of this variant in disease. Therefore, it has been classified as a Variant of Uncertain Significance.

Ambry Genetics
Classification: Uncertain significance for Inborn genetic diseases. Last evaluated: 2024-05-14. Review status: criteria provided, single submitter. Criteria: Ambry Variant Classification Scheme 2023. Collection method: clinical testing. Allele origin: germline.

NM_000521.4(HEXB):c.565A>G (p.Ile189Val)

Gene: HEXB (hexosaminidase subunit beta; plus strand). Cytogenetic location: 5q13.3.
Variant type: single nucleotide variant.
Coding change: c.565A>G on transcript NM_000521.4 (MANE Select); coding-DNA position 565, A replaced by G.
Protein change: p.Ile189Val; replaces isoleucine 189 with valine.
Molecular consequence: missense variant. On other transcripts: 5 prime UTR variant (1).
Genome position (GRCh38, 1-based): chr5:74,697,002, A>G. VCF-style: chr5-74697002-A-G. GRCh37 (hg19) VCF-style: chr5-73992827-A-G.
Other names: c.565A>G (NM_000521.3); c.-111A>G (NM_001292004.2); short protein forms I189V.
Identifiers: ClinVar variation 2160040 (VCV002160040.3), dbSNP rs762123301, ClinGen allele CA3305887.